The following is an entry in ClinVar:

NM_033026.6(PCLO):c.3108A>T (p.Leu1036Phe)

Gene: PCLO (piccolo presynaptic cytomatrix protein; minus strand). Cytogenetic location: 7q21.11.
Variant type: single nucleotide variant.
Coding change: c.3108A>T on transcript NM_033026.6 (MANE Select); coding-DNA position 3108, A replaced by T.
Protein change: p.Leu1036Phe; replaces leucine 1036 with phenylalanine.
Molecular consequence: missense variant.
Genome position (GRCh38, 1-based): chr7:83,134,442, T>A on the plus strand (A>T on the coding strand, the complement: PCLO is on the minus strand). VCF-style: chr7-83134442-T-A. GRCh37 (hg19) VCF-style: chr7-82763758-T-A.
Other names: c.3108A>T, p.Leu1036Phe (NM_014510.3); c.3108A>T (NM_033026.5); short protein forms L1036F.
Identifiers: ClinVar variation 1519526 (VCV001519526.6), dbSNP rs201591942, ClinGen allele CA4321142.

ClinVar aggregate classification (germline): Uncertain significance. Review status: criteria provided, multiple submitters, no conflicts (2 of 4 stars). 2 submissions from 2 submitters: Uncertain significance (2). Last evaluated 2022-08-03.

Conditions:
Inborn genetic diseases. Identifiers: MedGen C0950123, MeSH D030342.

Allele frequency attached by ClinVar (database versions not stated): 1000 Genomes Project 30x 0.00047; ExAC 0.00009; ESP Exome Variant Server 0.00017; gnomAD 0.00029 and 0.00032; gnomAD exomes 0.00007; TOPMed 0.00039; 1000 Genomes Project 0.00040.
gnomAD v4.1: 82 of 1,613,896 alleles (0.0051%); highest among the groups gnomAD compares: African/African-American, 0.093%; no homozygotes.

Submissions (2):

Labcorp Genetics (formerly Invitae), Labcorp
Classification: Uncertain significance. Last evaluated: 2022-08-03. Review status: criteria provided, single submitter. Criteria: Invitae Variant Classification Sherloc (09022015). Collection method: clinical testing. Allele origin: germline.
Comment: This sequence change replaces leucine, which is neutral and non-polar, with phenylalanine, which is neutral and non-polar, at codon 1036 of the PCLO protein (p.Leu1036Phe). This variant is present in population databases (rs201591942, gnomAD 0.1%). This variant has not been reported in the literature in individuals affected with PCLO-related conditions. ClinVar contains an entry for this variant (Variation ID: 1519526). Algorithms developed to predict the effect of missense changes on protein structure and function are either unavailable or do not agree on the potential impact of this missense change (SIFT: "Tolerated"; PolyPhen-2: "Not Available"; Align-GVGD: "Class C0"). In summary, the available evidence is currently insufficient to determine the role of this variant in disease. Therefore, it has been classified as a Variant of Uncertain Significance.

Ambry Genetics
Classification: Uncertain significance for Inborn genetic diseases. Last evaluated: 2021-10-05. Review status: criteria provided, single submitter. Criteria: Ambry Variant Classification Scheme 2023. Collection method: clinical testing. Allele origin: germline.